The following is an entry in ClinVar:

NM_000219.6(KCNE1):c.225C>A (p.Asn75Lys)

Gene: KCNE1 (potassium voltage-gated channel subfamily E regulatory subunit 1; minus strand). Cytogenetic location: 21q22.12.
Variant type: single nucleotide variant.
Coding change: c.225C>A on transcript NM_000219.6 (MANE Select); coding-DNA position 225, C replaced by A.
Protein change: p.Asn75Lys; replaces asparagine 75 with lysine.
Molecular consequence: missense variant.
Genome position (GRCh38, 1-based): chr21:34,449,410, G>T on the plus strand (C>A on the coding strand, the complement: KCNE1 is on the minus strand). VCF-style: chr21-34449410-G-T. GRCh37 (hg19) VCF-style: chr21-35821708-G-T.
Other names: c.225C>A, p.Asn75Lys (NM_001127668.4, NM_001127669.4, NM_001127670.4 and 4 more transcripts); short protein forms N75K.
Identifiers: ClinVar variation 3374370 (VCV003374370.2).

Conditions:
Long QT syndrome 5 (LQT5). Identifiers: Orphanet 101016, Orphanet 768, MedGen C1867904, MONDO:0013372, OMIM 613695.

Submission:

Roden Lab, Vanderbilt University Medical Center
No classification provided (evidence only). Condition: Long QT syndrome 5. Review status: no classification provided. Collection method: in vitro. Allele origin: not applicable. Functional consequence: Effect on ion channel function.
ClinVar note: "not provided" was previously submitted as the classification for the variant. However, the classification appeared to be based only on an observation of functional data so it was converted to no classification on 2025-07-30.